The following is an entry in ClinVar:

ClinVar aggregate classification (germline): Uncertain significance. Review status: criteria provided, single submitter (1 of 4 stars). 2 submissions from 2 submitters: Uncertain significance (1). 1 of the submissions does not count toward it. Last evaluated 2023-12-11.

Conditions:
Primary ciliary dyskinesia. Also called: Ciliary dyskinesia. Identifiers: Orphanet 244, MedGen C0008780, MONDO:0016575, HP:0012265.

Allele frequency attached by ClinVar (database versions not stated): gnomAD exomes below 0.00001.
gnomAD v4.1: 1 of 1,614,156 alleles (0.000062%); highest among the groups gnomAD compares: Non-Finnish European, 0.000085%; no homozygotes.

Submissions (2):

Labcorp Genetics (formerly Invitae), Labcorp
Classification: Uncertain significance for Primary ciliary dyskinesia. Last evaluated: 2023-12-11. Review status: criteria provided, single submitter. Criteria: Invitae Variant Classification Sherloc (09022015). Collection method: clinical testing. Allele origin: germline.
Comment: This sequence change replaces alanine, which is neutral and non-polar, with valine, which is neutral and non-polar, at codon 3297 of the DNAH5 protein (p.Ala3297Val). This variant is not present in population databases (gnomAD no frequency). This variant has not been reported in the literature in individuals affected with DNAH5-related conditions. ClinVar contains an entry for this variant (Variation ID: 2170297). Advanced modeling of protein sequence and biophysical properties (such as structural, functional, and spatial information, amino acid conservation, physicochemical variation, residue mobility, and thermodynamic stability) has been performed at Invitae for this missense variant, however the output from this modeling did not meet the statistical confidence thresholds required to predict the impact of this variant on DNAH5 protein function. In summary, the available evidence is currently insufficient to determine the role of this variant in disease. Therefore, it has been classified as a Variant of Uncertain Significance.

Natera, Inc.
Classification: Uncertain significance for Primary ciliary dyskinesia. Last evaluated: 2025-02-16. Review status: no assertion criteria provided. Collection method: clinical testing. Allele origin: germline. Not counted in ClinVar's aggregate classification.

NM_001369.3(DNAH5):c.9890C>T (p.Ala3297Val)

Gene: DNAH5 (dynein axonemal heavy chain 5; minus strand). Cytogenetic location: 5p15.2.
Variant type: single nucleotide variant.
Coding change: c.9890C>T on transcript NM_001369.3 (MANE Select); coding-DNA position 9890, C replaced by T.
Protein change: p.Ala3297Val; replaces alanine 3297 with valine.
Molecular consequence: missense variant.
Genome position (GRCh38, 1-based): chr5:13,768,967, G>A on the plus strand (C>T on the coding strand, the complement: DNAH5 is on the minus strand). VCF-style: chr5-13768967-G-A. GRCh37 (hg19) VCF-style: chr5-13769076-G-A.
Other names: c.9890C>T (NM_001369.2); short protein forms A3297V.
Identifiers: ClinVar variation 2170297 (VCV002170297.5), dbSNP rs2546655888, ClinGen allele CA359201241.